The following is an entry in ClinVar:

NM_005751.5(AKAP9):c.1570T>C (p.Cys524Arg)

Gene: AKAP9 (A-kinase anchoring protein 9; plus strand). Cytogenetic location: 7q21.2.
Variant type: single nucleotide variant.
Coding change: c.1570T>C on transcript NM_005751.5 (MANE Select); coding-DNA position 1570, T replaced by C.
Protein change: p.Cys524Arg; replaces cysteine 524 with arginine.
Molecular consequence: missense variant.
Genome position (GRCh38, 1-based): chr7:92,001,487, T>C. VCF-style: chr7-92001487-T-C. GRCh37 (hg19) VCF-style: chr7-91630801-T-C.
Other names: c.1570T>C, p.Cys524Arg (NM_147185.3); short protein forms C524R.
Identifiers: ClinVar variation 5033822 (VCV005033822.1).

ClinVar aggregate classification (germline): Uncertain significance (1 of 4 stars; one submission).

Conditions:
Cardiovascular phenotype. Identifiers: MedGen CN230736.

Submission:

Ambry Genetics
Classification: Uncertain significance for Cardiovascular phenotype. Last evaluated: 2026-06-27. Review status: criteria provided, single submitter. Criteria: Ambry Variant Classification Scheme 2023. Collection method: clinical testing. Allele origin: germline.
Comment: The p.C524R variant (also known as c.1570T>C), located in coding exon 8 of the AKAP9 gene, results from a T to C substitution at nucleotide position 1570. The cysteine at codon 524 is replaced by arginine, an amino acid with highly dissimilar properties. This amino acid position is conserved. In addition, this alteration is predicted to be tolerated by in silico analysis. Based on the available evidence, the clinical significance of this variant remains unclear.